The following is an entry in ClinVar:

NM_020919.4(ALS2):c.3449T>A (p.Met1150Lys)

Gene: ALS2 (alsin Rho guanine nucleotide exchange factor ALS2; minus strand). Cytogenetic location: 2q33.1.
Variant type: single nucleotide variant.
Coding change: c.3449T>A on transcript NM_020919.4 (MANE Select); coding-DNA position 3449, T replaced by A.
Protein change: p.Met1150Lys; replaces methionine 1150 with lysine.
Molecular consequence: missense variant.
Genome position (GRCh38, 1-based): chr2:201,724,358, A>T on the plus strand (T>A on the coding strand, the complement: ALS2 is on the minus strand). VCF-style: chr2-201724358-A-T. GRCh37 (hg19) VCF-style: chr2-202589081-A-T.
Other names: short protein forms M1150K.
Identifiers: ClinVar variation 578623 (VCV000578623.8), dbSNP rs747308306, ClinGen allele CA350319713.
Genomic context (GRCh38, chr2:201,724,358, plus strand): 5'-GTGATATCATCAAAGACACCATATCCTGCTTTCTTATCCATTACCCACTGGCCAATGAAC[A>T]TACTAGGAGAAGAGGACGTCAATTTCCCACTTCGTAGAAGACCATGACCATGACGCATAT-3'
Protein context (NP_065970.2, residues 1140-1160): SGKLTSSSPS[Met1150Lys]FIGQWVMDKK

ClinVar aggregate classification (germline): Uncertain significance (1 of 4 stars; one submission).

Conditions:
Infantile-onset ascending hereditary spastic paralysis (IAHSP). Also called: Autosomal Recessive Juvenile Amyotrophic Lateral Sclerosis; Infantile-Onset Ascending Hereditary Spastic Paralysis (IAHSP). Identifiers: Orphanet 293168, MedGen C2931441, MONDO:0011797, OMIM 607225. Disease mechanism: loss of function.

Submission:

Labcorp Genetics (formerly Invitae), Labcorp
Classification: Uncertain significance for Infantile-onset ascending hereditary spastic paralysis. Last evaluated: 2017-11-30. Review status: criteria provided, single submitter. Criteria: Invitae Variant Classification Sherloc (09022015). Collection method: clinical testing. Allele origin: germline.
Comment: In summary, the available evidence is currently insufficient to determine the role of this variant in disease. Therefore, it has been classified as a Variant of Uncertain Significance. Algorithms developed to predict the effect of sequence changes on RNA splicing suggest that this variant may create or strengthen a splice site, but this prediction has not been confirmed by published transcriptional studies. Algorithms developed to predict the effect of missense changes on protein structure and function do not agree on the potential impact of this missense change (SIFT: "Deleterious"; PolyPhen-2: "Benign"; Align-GVGD: "Class C35"). This variant has not been reported in the literature in individuals with ALS2-related disease. This variant is not present in population databases (ExAC no frequency). This sequence change replaces methionine with lysine at codon 1150 of the ALS2 protein (p.Met1150Lys). The methionine residue is moderately conserved and there is a moderate physicochemical difference between methionine and lysine.